The following is an entry in ClinVar:

ClinVar aggregate classification (germline): Uncertain significance. Review status: criteria provided, multiple submitters, no conflicts (2 of 4 stars). 2 submissions from 2 submitters: Uncertain significance (2). Last evaluated 2025-12-11.

Conditions:
Cardiomyopathy (CMYO). Also called: Cardiomyopathies. Identifiers: Orphanet 167848, MedGen C0878544, MONDO:0004994, HP:0001638. Inheritance: Various modes of inheritance.
Cardiovascular phenotype. Identifiers: MedGen CN230736.

gnomAD v4.1: 1 of 1,614,000 alleles (0.000062%); highest among the groups gnomAD compares: South Asian, 0.0011%; no homozygotes.

Submissions (2):

Ambry Genetics
Classification: Uncertain significance for Cardiovascular phenotype. Last evaluated: 2025-12-11. Review status: criteria provided, single submitter. Criteria: Ambry Variant Classification Scheme 2023. Collection method: clinical testing. Allele origin: germline.

Color Diagnostics, LLC DBA Color Health
Classification: Uncertain significance for Cardiomyopathy. Last evaluated: 2025-09-29. Review status: criteria provided, single submitter. Criteria: ACMG Guidelines, 2015. Collection method: clinical testing. Allele origin: germline.
Comment: This missense variant replaces isoleucine with threonine at codon 544 of the DSC2 protein. Computational prediction suggests that this variant may not impact protein structure and function. To our knowledge, functional studies have not been reported for this variant. This variant has not been reported in individuals affected with DSC2-related disorders in the literature. This variant has been identified in 1/1461664 chromosomes in the general population by the Genome Aggregation Database (gnomAD). The available evidence is insufficient to determine the role of this variant in disease conclusively. Therefore, this variant is classified as a Variant of Uncertain Significance.

NM_024422.6(DSC2):c.1631T>C (p.Ile544Thr)

Gene: DSC2 (desmocollin 2; minus strand). Cytogenetic location: 18q12.1.
Variant type: single nucleotide variant.
Coding change: c.1631T>C on transcript NM_024422.6 (MANE Select); coding-DNA position 1631, T replaced by C.
Protein change: p.Ile544Thr; replaces isoleucine 544 with threonine.
Molecular consequence: missense variant.
Genome position (GRCh38, 1-based): chr18:31,079,879, A>G on the plus strand (T>C on the coding strand, the complement: DSC2 is on the minus strand). VCF-style: chr18-31079879-A-G. GRCh37 (hg19) VCF-style: chr18-28659845-A-G.
Other names: c.1202T>C, p.Ile401Thr (NM_001406506.1, NM_001406507.1); c.1631T>C, p.Ile544Thr (NM_004949.5); short protein forms I401T, I544T.
Identifiers: ClinVar variation 4614007 (VCV004614007.2).